The following is an entry in ClinVar:

NM_001023.4(RPS20):c.172A>G (p.Thr58Ala)

Gene: RPS20 (ribosomal protein S20; minus strand). Cytogenetic location: 8q12.1.
Variant type: single nucleotide variant.
Coding change: c.172A>G on transcript NM_001023.4 (MANE Select); coding-DNA position 172, A replaced by G.
Protein change: p.Thr58Ala; replaces threonine 58 with alanine.
Molecular consequence: missense variant.
Genome position (GRCh38, 1-based): chr8:56,073,700, T>C on the plus strand (A>G on the coding strand, the complement: RPS20 is on the minus strand). VCF-style: chr8-56073700-T-C. GRCh37 (hg19) VCF-style: chr8-56986259-T-C.
Other names: c.172A>G, p.Thr58Ala (NM_001146227.3); short protein forms T58A.
Identifiers: ClinVar variation 4863486 (VCV004863486.1).
Genomic context (GRCh38, chr8:56,073,700, plus strand): 5'-ATTTATGCAACATCCGGAAGCAACTCCTACTTCCTGCCCCTCCGATTTACTTTACCTTGG[T>C]AGGCATTCGAACTGGTCCTTTCACTTTGAGATTCTTTTCTTTTGCGCCTCTTATCAAGTC-3'
Protein context (NP_001014.1, residues 48-68): LKVKGPVRMP[Thr58Ala]KTLRITTRKT

ClinVar aggregate classification (germline): Uncertain significance (1 of 4 stars; one submission).

gnomAD v4.1: 2 of 1,613,460 alleles (0.00012%); no homozygotes.

Submission:

Ambry Genetics
Classification: Uncertain significance. Last evaluated: 2026-04-02. Review status: criteria provided, single submitter. Criteria: Ambry Variant Classification Scheme 2023. Collection method: clinical testing. Allele origin: germline.
Comment: The p.T58A variant (also known as c.172A>G), located in coding exon 3 of the RPS20 gene, results from an A to G substitution at nucleotide position 172. The threonine at codon 58 is replaced by alanine, an amino acid with similar properties. This amino acid position is highly conserved in available vertebrate species. In addition, this alteration is predicted to be deleterious by in silico analysis. Based on the available evidence, the clinical significance of this variant remains unclear.